The following is an entry in ClinVar:

NM_001365999.1(SZT2):c.6126G>A (p.Trp2042Ter)

Gene: SZT2 (SZT2 subunit of KICSTOR complex; plus strand). Cytogenetic location: 1p34.2.
Variant type: single nucleotide variant.
Coding change: c.6126G>A on transcript NM_001365999.1 (MANE Select); coding-DNA position 6126, G replaced by A.
Protein change: p.Trp2042Ter; replaces tryptophan 2042 with a stop codon.
Molecular consequence: nonsense.
Genome position (GRCh38, 1-based): chr1:43,437,262, G>A. VCF-style: chr1-43437262-G-A. GRCh37 (hg19) VCF-style: chr1-43902933-G-A.
Other names: c.5955G>A, p.Trp1985Ter (NM_015284.4); short protein forms W1985*, W2042*.
Identifiers: ClinVar variation 1069948 (VCV001069948.7), dbSNP rs2153934979, ClinGen allele CA340028408.

ClinVar aggregate classification (germline): Pathogenic (1 of 4 stars; one submission).

Submission:

Labcorp Genetics (formerly Invitae), Labcorp
Classification: Pathogenic. Last evaluated: 2020-06-22. Review status: criteria provided, single submitter. Criteria: Invitae Variant Classification Sherloc (09022015). Collection method: clinical testing. Allele origin: germline.
Comment: For these reasons, this variant has been classified as Pathogenic. Loss-of-function variants in SZT2 are known to be pathogenic (PMID: 23932106, 27248490, 28556953). This variant has not been reported in the literature in individuals with SZT2-related conditions. This variant is not present in population databases (ExAC no frequency). This sequence change creates a premature translational stop signal (p.Trp1985*) in the SZT2 gene. It is expected to result in an absent or disrupted protein product.

Literature cited by the submitters: PubMed 23932106; PubMed 27248490; PubMed 28556953.